The following is an entry in ClinVar:

ClinVar aggregate classification (germline): Uncertain significance (1 of 4 stars; one submission).

Conditions:
Congenital disorder of glycosylation, type Iaa. Also called: Congenital disorder of glycosylation, type 1aa. Identifiers: MedGen C4310727, MONDO:0014904, OMIM 617082.

Allele frequency attached by ClinVar (database versions not stated): gnomAD 0.00001; gnomAD exomes 0.00001; TOPMed 0.00001.
gnomAD v4.1: 21 of 1,612,644 alleles (0.0013%); highest among the groups gnomAD compares: Non-Finnish European, 0.0018%; no homozygotes.

Submission:

Labcorp Genetics (formerly Invitae), Labcorp
Classification: Uncertain significance for Congenital disorder of glycosylation, type Iaa. Last evaluated: 2024-05-28. Review status: criteria provided, single submitter. Criteria: Invitae Variant Classification Sherloc (09022015). Collection method: clinical testing. Allele origin: germline.
Comment: This sequence change replaces serine, which is neutral and polar, with proline, which is neutral and non-polar, at codon 168 of the NUS1 protein (p.Ser168Pro). This variant is present in population databases (no rsID available, gnomAD 0.002%). This variant has not been reported in the literature in individuals affected with NUS1-related conditions. ClinVar contains an entry for this variant (Variation ID: 2416198). An algorithm developed to predict the effect of missense changes on protein structure and function (PolyPhen-2) suggests that this variant is likely to be tolerated. In summary, the available evidence is currently insufficient to determine the role of this variant in disease. Therefore, it has been classified as a Variant of Uncertain Significance.

NM_138459.5(NUS1):c.502T>C (p.Ser168Pro)

Gene: NUS1 (NUS1 dehydrodolichyl diphosphate synthase subunit; plus strand). Cytogenetic location: 6q22.1.
Variant type: single nucleotide variant.
Coding change: c.502T>C on transcript NM_138459.5 (MANE Select); coding-DNA position 502, T replaced by C.
Protein change: p.Ser168Pro; replaces serine 168 with proline.
Molecular consequence: missense variant.
Genome position (GRCh38, 1-based): chr6:117,693,128, T>C. VCF-style: chr6-117693128-T-C. GRCh37 (hg19) VCF-style: chr6-118014291-T-C.
Other names: short protein forms S168P.
Identifiers: ClinVar variation 2416198 (VCV002416198.6), dbSNP rs1475841573, ClinGen allele CA365536796.